The following is an entry in ClinVar:

NM_003998.4(NFKB1):c.2890C>A (p.Pro964Thr)

Gene: NFKB1 (nuclear factor kappa B subunit 1; plus strand). Cytogenetic location: 4q24.
Variant type: single nucleotide variant.
Coding change: c.2890C>A on transcript NM_003998.4 (MANE Select); coding-DNA position 2890, C replaced by A.
Protein change: p.Pro964Thr; replaces proline 964 with threonine.
Molecular consequence: missense variant.
Genome position (GRCh38, 1-based): chr4:102,616,574, C>A. VCF-style: chr4-102616574-C-A. GRCh37 (hg19) VCF-style: chr4-103537731-C-A.
Other names: c.2887C>A, p.Pro963Thr (NM_001165412.2, NM_001319226.2, NM_001382627.1); c.2890C>A, p.Pro964Thr (NM_001382625.1, NM_001382626.1); c.2848C>A, p.Pro950Thr (NM_001382628.1); short protein forms P950T, P963T, P964T.
Identifiers: ClinVar variation 3728830 (VCV003728830.2).

ClinVar aggregate classification (germline): Uncertain significance (1 of 4 stars; one submission).

gnomAD v4.1: 1 of 1,613,922 alleles (0.000062%); highest among the groups gnomAD compares: African/African-American, 0.0013%; no homozygotes.

Submission:

Labcorp Genetics (formerly Invitae), Labcorp
Classification: Uncertain significance. Last evaluated: 2025-01-11. Review status: criteria provided, single submitter. Criteria: Invitae Variant Classification Sherloc (09022015). Collection method: clinical testing. Allele origin: germline.
Comment: This sequence change replaces proline, which is neutral and non-polar, with threonine, which is neutral and polar, at codon 964 of the NFKB1 protein (p.Pro964Thr). This variant is not present in population databases (gnomAD no frequency). This variant has not been reported in the literature in individuals affected with NFKB1-related conditions. An algorithm developed to predict the effect of missense changes on protein structure and function (PolyPhen-2) suggests that this variant is likely to be tolerated. In summary, the available evidence is currently insufficient to determine the role of this variant in disease. Therefore, it has been classified as a Variant of Uncertain Significance.